The following is an entry in ClinVar:

NM_080680.3(COL11A2):c.4204_4205insC (p.Gly1402fs)

Gene: COL11A2 (collagen type XI alpha 2 chain; minus strand). Cytogenetic location: 6p21.32.
Variant type: Insertion.
Coding change: c.4204_4205insC on transcript NM_080680.3 (MANE Select); coding-DNA positions 4204 to 4205, C inserted.
Protein change: p.Gly1402fs; shifts the reading frame from glycine 1402.
Molecular consequence: frameshift variant.
Genome position: GRCh38 VCF-style: chr6-33167095-C-CG. GRCh37 (hg19) VCF-style: chr6-33134872-C-CG.
Other names: c.4024_4025insC, p.Gly1342fs (NM_001424108.1); c.3358_3359insC, p.Gly1120fs (NM_001424109.1); c.3178_3179insC, p.Gly1060fs (NM_001424110.1, NM_001424111.1); c.2158_2159insC, p.Gly720fs (NM_001424112.1); c.3883_3884insC, p.Gly1295fs (NM_080679.3); c.3946_3947insC, p.Gly1316fs (NM_080681.3); short protein forms G1316fs, G1342fs, G720fs, G1295fs, G1060fs, G1120fs, G1402fs.
Identifiers: ClinVar variation 2851219 (VCV002851219.3), dbSNP rs2534553960, ClinGen allele CA2739273028.

ClinVar aggregate classification (germline): Pathogenic (1 of 4 stars; one submission).

Submission:

Labcorp Genetics (formerly Invitae), Labcorp
Classification: Pathogenic. Last evaluated: 2023-03-31. Review status: criteria provided, single submitter. Criteria: Invitae Variant Classification Sherloc (09022015). Collection method: clinical testing. Allele origin: germline.
Comment: This sequence change creates a premature translational stop signal (p.Gly1402Alafs*23) in the COL11A2 gene. It is expected to result in an absent or disrupted protein product. Loss-of-function variants in COL11A2 are known to be pathogenic (PMID: 10677296, 21204229). This variant is not present in population databases (gnomAD no frequency). This variant has not been reported in the literature in individuals affected with COL11A2-related conditions. For these reasons, this variant has been classified as Pathogenic.

Literature cited by the submitters: PubMed 10677296; PubMed 21204229.